The following is an entry in ClinVar:

ClinVar aggregate classification (germline): Pathogenic. Review status: reviewed by expert panel (3 of 4 stars). 11 submissions from 11 submitters: Pathogenic (1). 10 of the submissions do not count toward it. Last evaluated 2016-09-08.

Conditions:
Hereditary cancer-predisposing syndrome. Also called: Tumor predisposition; Neoplastic Syndromes, Hereditary; Hereditary Cancer Syndrome; Hereditary neoplastic syndrome. Identifiers: Orphanet 140162, MedGen C0027672, MeSH D009386, MONDO:0015356.
Hereditary breast ovarian cancer syndrome. Also called: Hereditary breast and ovarian cancer syndrome (HBOC); Hereditary breast and ovarian cancer syndrome; Hereditary breast and ovarian cancer; Hereditary breast and/or ovarian cancer syndrome; Breast and ovarian cancer; BRCA1- and BRCA2-Associated Hereditary Breast and Ovarian Cancer. Identifiers: Orphanet 145, MedGen C0677776, MeSH D061325, MONDO:0003582. Disease mechanism: loss of function.
Breast-ovarian cancer, familial, susceptibility to, 1 (BROVCA1). Also called: OVARIAN CANCER, SUSCEPTIBILITY TO; BRCA1 Hereditary Breast and Ovarian Cancer. Identifiers: Orphanet 145, MedGen C2676676, MONDO:0011450, OMIM 604370. Disease mechanism: loss of function.

Submissions (11):

Evidence-based Network for the Interpretation of Germline Mutant Alleles (ENIGMA)
Classification: Pathogenic for Breast-ovarian cancer, familial, susceptibility to, 1. Last evaluated: 2016-09-08. Review status: reviewed by expert panel. Criteria: ENIGMA BRCA1/2 Classification Criteria (2015). Collection method: curation. Allele origin: germline.
Comment: Variant allele predicted to encode a truncated non-functional protein.

Molecular Diagnostics Laboratory, Catalan Institute of Oncology
Classification: Pathogenic for Hereditary cancer-predisposing syndrome. Last evaluated: 2024-11-24. Review status: criteria provided, single submitter. Criteria: ClinGen BRCA1BRCA2 ACMG Specifications BRCA1 V1.0.0. Collection method: clinical testing. Allele origin: germline. Not counted in ClinVar's aggregate classification.
Comment: PVS1, PM5_PTC_Strong c.124del, located in exon 3 of the BRCA1 gene, consists in the deletion of 1 nucleotide, causing a translational frameshift with a predicted alternate stop codon, p.(Ile42Tyrfs*8). This alteration is expected to result in loss of function by premature protein truncation and nonsense-mediated mRNA decay (PVS1). It is not present in the population database gnomAD v2.1.1, non-cancer dataset. To our knowledge, no well-established functional studies have been reported for this variant. Additional bibliographic information has not been evaluated for this variant. This variant has been reported in the ClinVar database (9x pathogenic), in the LOVD (5x pathogenic) and in BRCA Exchange database (pathogenic). This variant leads to a stop gain at a clinically important functional domain (PM5_PTC_S). Based on currently available information, the variant c.124del should be considered a pathogenic variant, according to ClinGen ENIGMA BRCA1 and BRCA2 Expert Panel Specifications to the ACMG/AMP Variant Interpretation Guidelines for BRCA1 Version 1.0.0.

Revvity Omics, Revvity
Classification: Pathogenic. Last evaluated: 2024-09-01. Review status: criteria provided, single submitter. Criteria: ACMG Guidelines, 2015. Collection method: clinical testing. Allele origin: germline. Not counted in ClinVar's aggregate classification.

Labcorp Genetics (formerly Invitae), Labcorp
Classification: Pathogenic for Hereditary breast ovarian cancer syndrome. Last evaluated: 2024-04-22. Review status: criteria provided, single submitter. Criteria: Invitae Variant Classification Sherloc (09022015). Collection method: clinical testing. Allele origin: germline. Not counted in ClinVar's aggregate classification.
Comment: This sequence change creates a premature translational stop signal (p.Ile42Tyrfs*8) in the BRCA1 gene. It is expected to result in an absent or disrupted protein product. Loss-of-function variants in BRCA1 are known to be pathogenic (PMID: 20104584). This variant is not present in population databases (gnomAD no frequency). This premature translational stop signal has been observed in individual(s) with hereditary breast and ovarian cancer (PMID: 9150149, 12845657, 12955716, 21735045, 29446198). ClinVar contains an entry for this variant (Variation ID: 54173). For these reasons, this variant has been classified as Pathogenic.

Color Diagnostics, LLC DBA Color Health
Classification: Pathogenic for Hereditary cancer-predisposing syndrome. Last evaluated: 2023-02-28. Review status: criteria provided, single submitter. Criteria: ACMG Guidelines, 2015. Collection method: clinical testing. Allele origin: germline. Not counted in ClinVar's aggregate classification.
Comment: This variant deletes 1 nucleotide in exon 3 of the BRCA1 gene, creating a frameshift and premature translation stop signal. This variant is also known as 243delA and c.124delA in the literature. This variant is expected to result in an absent or non-functional protein product. This variant has been reported in several individuals affected with breast cancer (PMID: 10371344, 12845657, 22362584, 26317927, 28145423, 30199306) and in several suspected hereditary breast and ovarian cancer families (PMID: 9150149, 12124814, 12955716, 29446198, 32614418, 32720237). This variant has not been identified in the general population by the Genome Aggregation Database (gnomAD). Loss of BRCA1 function is a known mechanism of disease. Based on the available evidence, this variant is classified as Pathogenic.

Ambry Genetics
Classification: Pathogenic for Hereditary cancer-predisposing syndrome. Last evaluated: 2021-10-15. Review status: criteria provided, single submitter. Criteria: Ambry Variant Classification Scheme 2023. Collection method: clinical testing. Allele origin: germline. Not counted in ClinVar's aggregate classification.
Comment: The c.124delA pathogenic mutation, located in coding exon 2 of the BRCA1 gene, results from a deletion of one nucleotide at nucleotide position 124, causing a translational frameshift with a predicted alternate stop codon (p.I42Yfs*8). This variant has been detected in several families with early onset breast and/or ovarian cancer (Abulkhair O et al. J Glob Oncol, 2018 08;4:1-9; de Sanjos&eacute; S et al. Int J Cancer, 2003 Sep;106:588-93; Stoppa-Lyonnet D et al. Am J Hum Genet, 1997 May;60:1021-30; D&iacute;ez O et al. Hum Mutat, 2003 Oct;22:301-12). In addition, this mutation is also designated as 243delA in published literature. This variant is considered to be rare based on population cohorts in the Genome Aggregation Database (gnomAD). This alteration is expected to result in loss of function by premature protein truncation or nonsense-mediated mRNA decay. As such, this alteration is interpreted as a disease-causing mutation.

GeneDx
Classification: Pathogenic. Last evaluated: 2020-07-13. Review status: criteria provided, single submitter. Criteria: GeneDx Variant Classification Process June 2021. Collection method: clinical testing. Allele origin: germline. Affected: yes. Not counted in ClinVar's aggregate classification.
Comment: Frameshift variant predicted to result in protein truncation or nonsense mediated decay in a gene for which loss-of-function is a known mechanism of disease; Not observed in large population cohorts (Lek et al., 2016); Truncating variants in this gene are considered pathogenic by a well-established clinical consortium and/or database; This variant is associated with the following publications: (PMID: 10644434, 21735045, 9150149, 21533383, 22362584, 12845657, 10371344, 20625817, 18528753, 30199306)

Consortium of Investigators of Modifiers of BRCA1/2 (CIMBA), c/o University of Cambridge
Classification: Pathogenic for Breast-ovarian cancer, familial, susceptibility to, 1. Last evaluated: 2015-10-02. Review status: criteria provided, single submitter. Criteria: CIMBA Mutation Classification guidelines May 2016. Collection method: clinical testing. Allele origin: germline. Not counted in ClinVar's aggregate classification.

Counsyl
Classification: Pathogenic for Breast-ovarian cancer, familial, susceptibility to, 1. Last evaluated: 2016-05-24. Review status: no assertion criteria provided. Collection method: clinical testing. Allele origin: unknown. Not counted in ClinVar's aggregate classification.

Research Molecular Genetics Laboratory, Women's College Hospital, University of Toronto
Classification: Pathogenic for Hereditary breast ovarian cancer syndrome. Last evaluated: 2014-01-31. Review status: no assertion criteria provided. Collection method: research. Allele origin: germline. Affected: yes. Study: The Canadian Open Genetics Repository (COGR). Not counted in ClinVar's aggregate classification.

Breast Cancer Information Core (BIC) (BRCA1)
Classification: Pathogenic for Breast-ovarian cancer, familial 1. Last evaluated: 2000-06-12. Review status: no assertion criteria provided. Collection method: clinical testing. Allele origin: germline. Affected: yes. Observed: 3 variant alleles. Not counted in ClinVar's aggregate classification.

Literature cited by the submitters: PubMed 20104584 (cited by Labcorp Genetics (formerly Invitae), Labcorp); PubMed 9150149 (cited by 4 submitters); PubMed 12845657 (cited by 4 submitters); PubMed 12955716 (cited by 3 submitters); PubMed 21735045 (cited by Labcorp Genetics (formerly Invitae), Labcorp and Counsyl); PubMed 29446198 (cited by Labcorp Genetics (formerly Invitae), Labcorp and Color Diagnostics, LLC DBA Color Health); PubMed 10371344 (cited by Color Diagnostics, LLC DBA Color Health); PubMed 12124814 (cited by Color Diagnostics, LLC DBA Color Health); PubMed 22362584 (cited by Color Diagnostics, LLC DBA Color Health); PubMed 26317927 (cited by Color Diagnostics, LLC DBA Color Health); PubMed 28145423 (cited by Color Diagnostics, LLC DBA Color Health); PubMed 30199306 (cited by Color Diagnostics, LLC DBA Color Health and Ambry Genetics); PubMed 32614418 (cited by Color Diagnostics, LLC DBA Color Health); PubMed 32720237 (cited by Color Diagnostics, LLC DBA Color Health).

NM_007294.4(BRCA1):c.124del (p.Ile42fs)

Gene: BRCA1 (BRCA1 DNA repair associated; minus strand). Cytogenetic location: 17q21.31.
Variant type: Deletion.
Coding change: c.124del on transcript NM_007294.4 (MANE Select); coding-DNA position 124, one base deleted (A; older notation c.124delA).
Protein change: p.Ile42fs; shifts the reading frame from isoleucine 42.
Molecular consequence: frameshift variant. On other transcripts: non-coding transcript variant (1), intron variant (1).
Genome position (GRCh38, 1-based): chr17:43,115,736, T deleted on the plus strand (A on the coding strand, the reverse complement: BRCA1 is on the minus strand). VCF-style (leftmost placement, unchanged base first): chr17-43115735-AT-A. GRCh37 (hg19) VCF-style: chr17-41267752-AT-A.
Other names: 243delA; c.124delA, p.Ile42Tyrfs (NM_001407992.1, NM_001407993.1, NM_001408392.1 and 190 more transcripts); c.-18delA (NM_001408410.1, NM_001408452.1, NM_001408453.1 and 47 more transcripts); c.-134delA (NM_001408455.1, NM_001408456.1, NM_001408468.1 and 13 more transcripts); c.-138delA (NM_001408465.1, NM_001407695.1); c.-65delA (NM_001408478.1, NM_001408479.1, NM_001408480.1 and 52 more transcripts); c.-181delA (NM_001408492.1, NM_001407889.1, NM_001407900.1); c.-180delA (NM_001408510.1, NM_001408512.1, NM_001407960.1 and 1 more transcripts); and 4 more; short protein forms I42fs.
Identifiers: ClinVar variation 54173 (VCV000054173.23), dbSNP rs80357943, ClinGen allele CA000821.